The following is an entry in ClinVar:

ClinVar aggregate classification (germline): Uncertain significance (1 of 4 stars; one submission).

Submission:

GeneDx
Classification: Uncertain significance. Last evaluated: 2023-10-18. Review status: criteria provided, single submitter. Criteria: GeneDx Variant Classification Process June 2021. Collection method: clinical testing. Allele origin: germline. Affected: yes.
Comment: Not observed at significant frequency in large population cohorts (gnomAD); In silico analysis supports that this missense variant does not alter protein structure/function; Has not been previously published as pathogenic or benign to our knowledge

NM_013275.6(ANKRD11):c.782A>G (p.Gln261Arg)

Gene: ANKRD11 (ankyrin repeat domain containing 11; minus strand). Cytogenetic location: 16q24.3.
Variant type: single nucleotide variant.
Coding change: c.782A>G on transcript NM_013275.6 (MANE Select); coding-DNA position 782, A replaced by G.
Protein change: p.Gln261Arg; replaces glutamine 261 with arginine.
Molecular consequence: missense variant.
Genome position (GRCh38, 1-based): chr16:89,286,149, T>C on the plus strand (A>G on the coding strand, the complement: ANKRD11 is on the minus strand). VCF-style: chr16-89286149-T-C. GRCh37 (hg19) VCF-style: chr16-89352557-T-C.
Other names: c.782A>G, p.Gln261Arg (NM_001256182.2, NM_001256183.2); short protein forms Q261R.
Identifiers: ClinVar variation 3366233 (VCV003366233.1).